The following is an entry in ClinVar:

ClinVar aggregate classification (germline): Uncertain significance. Review status: criteria provided, multiple submitters, no conflicts (2 of 4 stars). 4 submissions from 4 submitters: Uncertain significance (4). Last evaluated 2025-01-17.

Conditions:
ABCG5-related disorder. Also called: ABCG5-related condition.
Sitosterolemia 2. Identifiers: MedGen C5231453, MONDO:0020748, OMIM 618666.
Sitosterolemia (STSL). Also called: PHYTOSTEROLEMIA. Identifiers: Orphanet 2882, MedGen C0342907, MONDO:0008863.

Allele frequency attached by ClinVar (database versions not stated): gnomAD exomes 0.00001 and 0.00002; TOPMed 0.00001; ExAC 0.00004.
gnomAD v4.1: 16 of 1,614,078 alleles (0.00099%); highest among the groups gnomAD compares: Admixed American, 0.005%; no homozygotes.

Submissions (4):

PreventionGenetics, part of Exact Sciences
Classification: Uncertain significance for ABCG5-related condition. Last evaluated: 2025-01-17. Review status: criteria provided, single submitter. Criteria: ACMG Guidelines, 2015. Collection method: clinical testing. Allele origin: germline.
Comment: The ABCG5 c.599G>A variant is predicted to result in the amino acid substitution p.Arg200Gln. To our knowledge, this variant has not been reported in the literature. This variant is reported in 0.016% of alleles in individuals of East Asian descent in gnomAD. At this time, the clinical significance of this variant is uncertain due to the absence of conclusive functional and genetic evidence.

Labcorp Genetics (formerly Invitae), Labcorp
Classification: Uncertain significance for Sitosterolemia. Last evaluated: 2021-10-29. Review status: criteria provided, single submitter. Criteria: Invitae Variant Classification Sherloc (09022015). Collection method: clinical testing. Allele origin: germline.
Comment: In summary, the available evidence is currently insufficient to determine the role of this variant in disease. Therefore, it has been classified as a Variant of Uncertain Significance. Algorithms developed to predict the effect of missense changes on protein structure and function (SIFT, PolyPhen-2, Align-GVGD) all suggest that this variant is likely to be disruptive. ClinVar contains an entry for this variant (Variation ID: 501709). This variant has not been reported in the literature in individuals affected with ABCG5-related conditions. This variant is present in population databases (rs751809765, gnomAD 0.02%). This sequence change replaces arginine, which is basic and polar, with glutamine, which is neutral and polar, at codon 200 of the ABCG5 protein (p.Arg200Gln).

New York Genome Center
Classification: Uncertain significance for Sitosterolemia 2. Last evaluated: 2021-09-23. Review status: criteria provided, single submitter. Criteria: NYGC Assertion Criteria 2020. Collection method: clinical testing. Allele origin: germline. Observed: 1 heterozygote.

Eurofins Ntd Llc (ga)
Classification: Uncertain significance. Last evaluated: 2017-05-02. Review status: criteria provided, single submitter. Criteria: EGL Classification Definitions 2015. Collection method: clinical testing. Allele origin: germline. Observed: 1 variant allele, 1 heterozygote.

NM_022436.3(ABCG5):c.599G>A (p.Arg200Gln)

Genes: ABCG5 (ATP binding cassette subfamily G member 5; minus strand), DYNC2LI1 (dynein cytoplasmic 2 light intermediate chain 1; plus strand). Cytogenetic location: 2p21.
Variant type: single nucleotide variant.
Coding change: c.599G>A on transcript NM_022436.3 (MANE Select); coding-DNA position 599, G replaced by A.
Protein change: p.Arg200Gln; replaces arginine 200 with glutamine.
Molecular consequence: missense variant. On other transcripts: 3 prime UTR variant (2).
Genome position (GRCh38, 1-based): chr2:43,828,018, C>T on the plus strand (G>A on the coding strand, the complement: ABCG5 is on the minus strand). VCF-style: chr2-43828018-C-T. GRCh37 (hg19) VCF-style: chr2-44055157-C-T.
Other names: c.*648C>T (NM_001348912.2, NM_001348913.2); short protein forms R200Q.
Identifiers: ClinVar variation 501709 (VCV000501709.13), dbSNP rs751809765, ClinGen allele CA1636594.